The following is an entry in ClinVar:

ClinVar aggregate classification (germline): Likely benign. Review status: criteria provided, multiple submitters, no conflicts (2 of 4 stars). 3 submissions from 3 submitters: Likely benign (3). Last evaluated 2025-10-23.

Conditions:
Hereditary cancer-predisposing syndrome. Also called: Tumor predisposition; Neoplastic Syndromes, Hereditary; Hereditary Cancer Syndrome; Hereditary neoplastic syndrome. Identifiers: Orphanet 140162, MedGen C0027672, MeSH D009386, MONDO:0015356.
Hereditary breast ovarian cancer syndrome. Also called: Hereditary breast and ovarian cancer; Hereditary breast and/or ovarian cancer syndrome; Hereditary breast and ovarian cancer syndrome (HBOC); Breast and ovarian cancer; BRCA1- and BRCA2-Associated Hereditary Breast and Ovarian Cancer; Hereditary breast and ovarian cancer syndrome. Identifiers: Orphanet 145, MedGen C0677776, MeSH D061325, MONDO:0003582. Disease mechanism: loss of function.
BRCA2-related cancer predisposition. Identifiers: MedGen CN377758, MONDO:0700269.

Allele frequency attached by ClinVar (database versions not stated): gnomAD exomes below 0.00001.
gnomAD v4.1: 2 of 1,588,058 alleles (0.00013%); highest among the groups gnomAD compares: East Asian, 0.0022%; no homozygotes.

Submissions (3):

Labcorp Genetics (formerly Invitae), Labcorp
Classification: Likely benign for Hereditary breast ovarian cancer syndrome. Last evaluated: 2025-10-23. Review status: criteria provided, single submitter. Criteria: Invitae Variant Classification Sherloc (09022015). Collection method: clinical testing. Allele origin: germline.

All of Us Research Program, National Institutes of Health
Classification: Likely benign for BRCA2-related cancer predisposition. Last evaluated: 2024-03-14. Review status: criteria provided, single submitter. Criteria: ACMG Guidelines, 2015. Collection method: clinical testing. Allele origin: germline. Inheritance: Autosomal dominant inheritance. Observed: 1 variant allele, 1 heterozygote.
Comment: This study involves interpretation of variants in research participants for the purpose of population health screening. Participant phenotype was not available at the time of variant classification. Additional details can be found in publication PMID: 35346344, PMCID: PMC8962531

Ambry Genetics
Classification: Likely benign for Hereditary cancer-predisposing syndrome. Last evaluated: 2015-12-05. Review status: criteria provided, single submitter. Criteria: Ambry Variant Classification Scheme 2023. Collection method: clinical testing. Allele origin: germline.

NM_000059.4(BRCA2):c.5103A>G (p.Gln1701=)

Gene: BRCA2 (BRCA2 DNA repair associated; plus strand). Cytogenetic location: 13q13.1.
Variant type: single nucleotide variant.
Coding change: c.5103A>G on transcript NM_000059.4 (MANE Select); coding-DNA position 5103, A replaced by G.
Protein change: p.Gln1701=; no amino-acid change (glutamine 1701 retained).
Molecular consequence: synonymous variant.
Genome position (GRCh38, 1-based): chr13:32,339,458, A>G. VCF-style: chr13-32339458-A-G. GRCh37 (hg19) VCF-style: chr13-32913595-A-G.
Identifiers: ClinVar variation 760233 (VCV000760233.14), dbSNP rs878853587, ClinGen allele CA483438579.
Genomic context (GRCh38, chr13:32,339,458, plus strand): 5'-GAGTCAGACTTCATTACTTGAAGCAAAAAAATGGCTTAGAGAAGGAATATTTGATGGTCA[A>G]CCAGAAAGAATAAATACTGCAGATTATGTAGGAAATTATTTGTATGAAAATAATTCAAAC-3'
Protein context (NP_000050.3, residues 1691-1711): KWLREGIFDG[Gln1701=]PERINTADYV